The following is an entry in ClinVar:

NM_007186.6(CEP250):c.3927C>T (p.Asn1309=)

Gene: CEP250 (centrosomal protein 250; plus strand). Cytogenetic location: 20q11.22.
Variant type: single nucleotide variant.
Coding change: c.3927C>T on transcript NM_007186.6 (MANE Select); coding-DNA position 3927, C replaced by T.
Protein change: p.Asn1309=; no amino-acid change (asparagine 1309 retained).
Molecular consequence: synonymous variant.
Genome position (GRCh38, 1-based): chr20:35,501,873, C>T. VCF-style: chr20-35501873-C-T. GRCh37 (hg19) VCF-style: chr20-34089700-C-T.
Other names: c.3927C>T (NM_007186.5); c.2031C>T, p.Asn677= (NM_001318219.1).
Identifiers: ClinVar variation 4944848 (VCV004944848.2).

ClinVar aggregate classification (germline): Likely benign. Review status: criteria provided, multiple submitters, no conflicts (2 of 4 stars). 2 submissions from 2 submitters: Likely benign (2). Last evaluated 2026-07-26.

Conditions:
CEP250-related disorder. Also called: CEP250-related condition.

gnomAD v4.1: 7 of 1,613,018 alleles (0.00043%); highest among the groups gnomAD compares: South Asian, 0.0033%; no homozygotes.

Submissions (2):

PreventionGenetics, part of Exact Sciences
Classification: Likely benign for CEP250-related condition. Last evaluated: 2026-07-26. Review status: criteria provided, single submitter. Criteria: ACMG Guidelines, 2015. Collection method: clinical testing. Allele origin: germline.
Comment: This variant is classified as likely benign based on ACMG/AMP sequence variant interpretation guidelines (Richards et al. 2015 PMID: 25741868, with internal and published modifications).

Blueprint Genetics
Classification: Likely benign. Last evaluated: 2023-02-01. Review status: criteria provided, single submitter. Criteria: ACMG Guidelines, 2015. Collection method: clinical testing. Allele origin: germline.